The following is an entry in ClinVar:

ClinVar aggregate classification (germline): Uncertain significance. Review status: criteria provided, multiple submitters, no conflicts (2 of 4 stars). 2 submissions from 2 submitters: Uncertain significance (2). Last evaluated 2024-09-06.

Conditions:
Gamma-aminobutyric acid transaminase deficiency (GABATD). Also called: GABA aminotransaminase deficiency; GABA transaminase deficiency; Gamma aminobutyrate transaminase deficiency; 4 alpha aminobutyrate transaminase deficiency. Identifiers: Orphanet 2066, MedGen C0342708, MONDO:0013166, OMIM 613163.

gnomAD v4.1: 6 of 1,614,204 alleles (0.00037%); highest among the groups gnomAD compares: Non-Finnish European, 0.00051%; no homozygotes.

Submissions (2):

Labcorp Genetics (formerly Invitae), Labcorp
Classification: Uncertain significance for Gamma-aminobutyric acid transaminase deficiency. Last evaluated: 2024-09-06. Review status: criteria provided, single submitter. Criteria: Invitae Variant Classification Sherloc (09022015). Collection method: clinical testing. Allele origin: germline.
Comment: This sequence change replaces glycine, which is neutral and non-polar, with aspartic acid, which is acidic and polar, at codon 345 of the ABAT protein (p.Gly345Asp). This variant is not present in population databases (gnomAD no frequency). This variant has not been reported in the literature in individuals affected with ABAT-related conditions. ClinVar contains an entry for this variant (Variation ID: 1394559). Invitae Evidence Modeling of protein sequence and biophysical properties (such as structural, functional, and spatial information, amino acid conservation, physicochemical variation, residue mobility, and thermodynamic stability) indicates that this missense variant is not expected to disrupt ABAT protein function with a negative predictive value of 80%. In summary, the available evidence is currently insufficient to determine the role of this variant in disease. Therefore, it has been classified as a Variant of Uncertain Significance.

Women's Health and Genetics/Laboratory Corporation of America, LabCorp
Classification: Uncertain significance. Last evaluated: 2023-10-27. Review status: criteria provided, single submitter. Criteria: LabCorp Variant Classification Summary - May 2015. Collection method: clinical testing. Allele origin: germline.
Comment: Variant summary: ABAT c.1034G>A (p.Gly345Asp) results in a non-conservative amino acid change in the encoded protein sequence. Three of five in-silico tools predict a damaging effect of the variant on protein function. The variant was absent in 251468 control chromosomes. The available data on variant occurrences in the general population are insufficient to allow any conclusion about variant significance. To our knowledge, no occurrence of c.1034G>A in individuals affected with Gamma-Aminobutyric Acid Transaminase Deficiency and no experimental evidence demonstrating its impact on protein function have been reported. One submitter has cited clinical-significance assessments for this variant to ClinVar after 2014 and has classified the variant as uncertain significance. Based on the evidence outlined above, the variant was classified as uncertain significance.

NM_020686.6(ABAT):c.1034G>A (p.Gly345Asp)

Gene: ABAT (4-aminobutyrate aminotransferase; plus strand). Cytogenetic location: 16p13.2.
Variant type: single nucleotide variant.
Coding change: c.1034G>A on transcript NM_020686.6 (MANE Select); coding-DNA position 1034, G replaced by A.
Protein change: p.Gly345Asp; replaces glycine 345 with aspartic acid.
Molecular consequence: missense variant.
Genome position (GRCh38, 1-based): chr16:8,774,969, G>A. VCF-style: chr16-8774969-G-A. GRCh37 (hg19) VCF-style: chr16-8868826-G-A.
Other names: c.1034G>A, p.Gly345Asp (NM_000663.5, NM_001127448.2, NM_001386600.1 and 6 more transcripts); c.995G>A, p.Gly332Asp (NM_001386605.1); c.971G>A, p.Gly324Asp (NM_001386606.1, NM_001386607.1); c.941G>A, p.Gly314Asp (NM_001386608.1); c.899G>A, p.Gly300Asp (NM_001386610.1, NM_001386611.1); c.836G>A, p.Gly279Asp (NM_001386612.1, NM_001386613.1); c.788G>A, p.Gly263Asp (NM_001386614.1); c.1130G>A, p.Gly377Asp (NM_001386615.1); short protein forms G345D, G332D, G377D, G263D, G279D, G314D, G300D, G324D.
Identifiers: ClinVar variation 1394559 (VCV001394559.9), dbSNP rs2142996825, ClinGen allele CA394689913.